The following is an entry in ClinVar:

ClinVar aggregate classification (germline): Conflicting classifications of pathogenicity. Review status: criteria provided, conflicting classifications (1 of 4 stars). 3 submissions from 3 submitters: Uncertain significance (2); Likely benign (1). Last evaluated 2024-07-02.

Conditions:
Familial acute necrotizing encephalopathy (IIAE3). Also called: Susceptibility to Acute Necrotizing Encephalopathy 1; ENCEPHALOPATHY, ACUTE, INFECTION-INDUCED, SUSCEPTIBILITY TO, 3. Identifiers: Orphanet 88619, MedGen C2675556, MONDO:0011953, OMIM 608033.

Allele frequency attached by ClinVar (database versions not stated): gnomAD 0.00006 and 0.00009; TOPMed 0.00008; ESP Exome Variant Server 0.00015; 1000 Genomes Project 0.00020; gnomAD exomes 0.00020; ExAC 0.00027; 1000 Genomes Project 30x 0.00031.
gnomAD v4.1: 253 of 1,611,954 alleles (0.016%); highest among the groups gnomAD compares: Middle Eastern, 0.11%; no homozygotes.

Submissions (3):

Ambry Genetics
Classification: Uncertain significance. Last evaluated: 2024-07-02. Review status: criteria provided, single submitter. Criteria: Ambry Variant Classification Scheme 2023. Collection method: clinical testing. Allele origin: germline.

Blueprint Genetics
Classification: Likely benign. Last evaluated: 2024-03-04. Review status: criteria provided, single submitter. Criteria: ACMG Guidelines, 2015. Collection method: clinical testing. Allele origin: germline.

Labcorp Genetics (formerly Invitae), Labcorp
Classification: Uncertain significance for Familial acute necrotizing encephalopathy. Last evaluated: 2020-10-29. Review status: criteria provided, single submitter. Criteria: Invitae Variant Classification Sherloc (09022015). Collection method: clinical testing. Allele origin: germline.
Comment: In summary, the available evidence is currently insufficient to determine the role of this variant in disease. Therefore, it has been classified as a Variant of Uncertain Significance. Algorithms developed to predict the effect of missense changes on protein structure and function are either unavailable or do not agree on the potential impact of this missense change (SIFT: "Deleterious"; PolyPhen-2: "Benign"; Align-GVGD: "Class C35"). This variant has not been reported in the literature in individuals with RANBP2-related disease. The frequency data for this variant in the population databases is considered unreliable, as metrics indicate poor data quality at this position in the ExAC database. This sequence change replaces aspartic acid with glutamic acid at codon 234 of the RANBP2 protein (p.Asp234Glu). The aspartic acid residue is highly conserved and there is a small physicochemical difference between aspartic acid and glutamic acid.

NM_006267.5(RANBP2):c.702C>G (p.Asp234Glu)

Gene: RANBP2 (RAN binding protein 2; plus strand). Cytogenetic location: 2q13.
Variant type: single nucleotide variant.
Coding change: c.702C>G on transcript NM_006267.5 (MANE Select); coding-DNA position 702, C replaced by G.
Protein change: p.Asp234Glu; replaces aspartic acid 234 with glutamic acid.
Molecular consequence: missense variant.
Genome position (GRCh38, 1-based): chr2:108,736,169, C>G. VCF-style: chr2-108736169-C-G. GRCh37 (hg19) VCF-style: chr2-109352625-C-G.
Other names: short protein forms D234E.
Identifiers: ClinVar variation 641524 (VCV000641524.12), dbSNP rs148149640, ClinGen allele CA1822103.